The following is an entry in ClinVar:

ClinVar aggregate classification (germline): Likely benign (1 of 4 stars; one submission).

gnomAD v4.1: 72 of 1,613,866 alleles (0.0045%); highest among the groups gnomAD compares: South Asian, 0.0099%; no homozygotes.

Submission:

CeGaT Center for Human Genetics Tuebingen
Classification: Likely benign. Last evaluated: 2025-02-01. Review status: criteria provided, single submitter. Criteria: CeGaT Center For Human Genetics Tuebingen Variant Classification Criteria Version 2. Collection method: clinical testing. Allele origin: germline. Affected: yes. Observed: 1 variant allele.
Comment: CEP104: BP4, BP7

NM_014704.4(CEP104):c.291C>T (p.Tyr97=)

Gene: CEP104 (centrosomal protein 104; minus strand). Cytogenetic location: 1p36.32.
Variant type: single nucleotide variant.
Coding change: c.291C>T on transcript NM_014704.4 (MANE Select); coding-DNA position 291, C replaced by T.
Protein change: p.Tyr97=; no amino-acid change (tyrosine 97 retained).
Molecular consequence: synonymous variant.
Genome position (GRCh38, 1-based): chr1:3,847,610, G>A on the plus strand (C>T on the coding strand, the complement: CEP104 is on the minus strand). VCF-style: chr1-3847610-G-A. GRCh37 (hg19) VCF-style: chr1-3764174-G-A.
Identifiers: ClinVar variation 3771598 (VCV003771598.13).